The following is an entry in ClinVar:

NM_004646.4(NPHS1):c.637C>T (p.Gln213Ter)

Gene: NPHS1 (NPHS1 adhesion molecule, nephrin; minus strand). Cytogenetic location: 19q13.12.
Variant type: single nucleotide variant.
Coding change: c.637C>T on transcript NM_004646.4 (MANE Select); coding-DNA position 637, C replaced by T.
Protein change: p.Gln213Ter; replaces glutamine 213 with a stop codon.
Molecular consequence: nonsense.
Genome position (GRCh38, 1-based): chr19:35,849,625, G>A on the plus strand (C>T on the coding strand, the complement: NPHS1 is on the minus strand). VCF-style: chr19-35849625-G-A. GRCh37 (hg19) VCF-style: chr19-36340527-G-A.
Other names: short protein forms Q213*.
Identifiers: ClinVar variation 5013326 (VCV005013326.1).

ClinVar aggregate classification (germline): Pathogenic (1 of 4 stars; one submission).

Conditions:
Finnish congenital nephrotic syndrome (NPHS1). Also called: NEPHROTIC SYNDROME, TYPE 1. Identifiers: Orphanet 839, MedGen C0403399, MONDO:0009732, OMIM 256300.

Submission:

Myriad Genetics, Inc.
Classification: Pathogenic for Finnish congenital nephrotic syndrome. Last evaluated: 2023-08-29. Review status: criteria provided, single submitter. Criteria: Myriad Autosomal Dominant, Autosomal Recessive and X-Linked Classification Criteria (2023). Collection method: clinical testing. Allele origin: unknown.
Comment: NM_004646.3(NPHS1):c.637C>T(Q213*) is expected to be pathogenic in the context of nephrotic syndrome, NPHS1-related. This variant is predicted to lead to an abnormal or absent protein product due to the creation of a premature termination codon in NPHS1, a gene where loss-of-function variants are known to be pathogenic. Please note: this variant was assessed in the context of healthy population screening.